The following is an entry in ClinVar:

ClinVar aggregate classification (germline): Uncertain significance (1 of 4 stars; one submission).

Submission:

Labcorp Genetics (formerly Invitae), Labcorp
Classification: Uncertain significance. Last evaluated: 2022-06-20. Review status: criteria provided, single submitter. Criteria: Invitae Variant Classification Sherloc (09022015). Collection method: clinical testing. Allele origin: germline.
Comment: In summary, the available evidence is currently insufficient to determine the role of this variant in disease. Therefore, it has been classified as a Variant of Uncertain Significance. Algorithms developed to predict the effect of missense changes on protein structure and function (SIFT, PolyPhen-2, Align-GVGD) all suggest that this variant is likely to be tolerated. This variant has not been reported in the literature in individuals affected with ZSWIM6-related conditions. This variant is not present in population databases (gnomAD no frequency). This sequence change replaces glutamine, which is neutral and polar, with glutamic acid, which is acidic and polar, at codon 504 of the ZSWIM6 protein (p.Gln504Glu).

NM_020928.2(ZSWIM6):c.1510C>G (p.Gln504Glu)

Gene: ZSWIM6 (zinc finger SWIM-type containing 6; plus strand). Cytogenetic location: 5q12.1.
Variant type: single nucleotide variant.
Coding change: c.1510C>G on transcript NM_020928.2 (MANE Select); coding-DNA position 1510, C replaced by G.
Protein change: p.Gln504Glu; replaces glutamine 504 with glutamic acid.
Molecular consequence: missense variant.
Genome position (GRCh38, 1-based): chr5:61,521,439, C>G. VCF-style: chr5-61521439-C-G. GRCh37 (hg19) VCF-style: chr5-60817266-C-G.
Other names: short protein forms Q504E.
Identifiers: ClinVar variation 1385445 (VCV001385445.8), dbSNP rs2112261352, ClinGen allele CA359943040.